The following is an entry in ClinVar:

ClinVar aggregate classification (germline): Benign. Review status: criteria provided, multiple submitters, no conflicts (2 of 4 stars). 2 submissions from 2 submitters: Benign (2). Last evaluated 2018-06-16.

Allele frequency attached by ClinVar (database versions not stated): gnomAD exomes 0.00217; gnomAD 0.01675 and 0.01804; 1000 Genomes Project 0.01737; 1000 Genomes Project 30x 0.01765; TOPMed 0.01985.
gnomAD v4.1: 5,672 of 1,501,222 alleles (0.38%); highest among the groups gnomAD compares: African/African-American, 5.5%; 114 homozygotes.

Submissions (2):

GeneDx
Classification: Benign. Last evaluated: 2018-06-16. Review status: criteria provided, single submitter. Criteria: GeneDx Variant Classification (06012015). Collection method: clinical testing. Allele origin: germline. Affected: yes.
Comment: This variant is considered likely benign or benign based on one or more of the following criteria: it is a conservative change, it occurs at a poorly conserved position in the protein, it is predicted to be benign by multiple in silico algorithms, and/or has population frequency not consistent with disease.

Breakthrough Genomics
Classification: Benign. Review status: criteria provided, single submitter. Criteria: ACMG Guidelines, 2015. Collection method: not provided. Allele origin: germline. Inheritance: Autosomal recessive inheritance. Affected: yes.

NM_001267550.2(TTN):c.33910+82T>C

Gene: TTN (titin; minus strand). Cytogenetic location: 2q31.2.
Variant type: single nucleotide variant.
Coding change: c.33910+82T>C on transcript NM_001267550.2 (MANE Select); 82 bases into the intron after coding-DNA position 33910, T replaced by C.
Molecular consequence: intron variant.
Genome position (GRCh38, 1-based): chr2:178,678,332, A>G on the plus strand (T>C on the coding strand, the complement: TTN is on the minus strand). VCF-style: chr2-178678332-A-G. GRCh37 (hg19) VCF-style: chr2-179543059-A-G.
Other names: c.13283-36015T>C (NM_003319.4); c.13859-36015T>C (NM_133437.4); c.13658-36015T>C (NM_133432.3); c.30178+82T>C (NM_133378.4); c.32959+82T>C (NM_001256850.1).
Identifiers: ClinVar variation 671477 (VCV000671477.2), dbSNP rs72650047, ClinGen allele CA60982603.
Genomic context (GRCh38, chr2:178,678,332, plus strand): 5'-GAAAAAGAATCACAAAATATCTGACATATTTCTAACCAGATAGACACTTTAAAAATGTAC[A>G]ATGTAATGGGGAAATTTGTATGTGAGTATACATAGATGTGAGTTTTTTCCCCCAAGTACT-3'